The following is an entry in ClinVar:

NM_001142966.3(GREB1L):c.3169C>T (p.Arg1057Trp)

Gene: GREB1L (GREB1 like retinoic acid receptor coactivator; plus strand). Cytogenetic location: 18q11.1.
Variant type: single nucleotide variant.
Coding change: c.3169C>T on transcript NM_001142966.3 (MANE Select); coding-DNA position 3169, C replaced by T.
Protein change: p.Arg1057Trp; replaces arginine 1057 with tryptophan.
Molecular consequence: missense variant.
Genome position (GRCh38, 1-based): chr18:21,496,476, C>T. VCF-style: chr18-21496476-C-T. GRCh37 (hg19) VCF-style: chr18-19076437-C-T.
Other names: c.3298C>T, p.Arg1100Trp (NM_001410867.1); c.2842C>T, p.Arg948Trp (NM_001410868.1); short protein forms R1057W, R1100W, R948W.
Identifiers: ClinVar variation 4818954 (VCV004818954.1).
Genomic context (GRCh38, chr18:21,496,476, plus strand): 5'-CAGATAGACTCACCAACAACACAATTACTTTTGTTCAGGTCTTTGAAGTACTGTGACCTC[C>T]GGTTAATTGACTCAAGCTATTTAACTCGCACGGCCTTGGAGCAGGAGGTGGGTCTGGCAT-3'
Protein context (NP_001136438.1, residues 1047-1067): FPRSLKYCDL[Arg1057Trp]LIDSSYLTRT

ClinVar aggregate classification (germline): Likely pathogenic (1 of 4 stars; one submission).

Conditions:
Renal hypodysplasia/aplasia 3 (RHDA3). Identifiers: MedGen C4540497, MONDO:0024520, OMIM 617805.

Submission:

Victorian Clinical Genetics Services, Murdoch Childrens Research Institute
Classification: Likely pathogenic for Renal hypodysplasia/aplasia 3. Last evaluated: 2026-01-28. Review status: criteria provided, single submitter. Criteria: ACMG Guidelines, 2015. Collection method: clinical testing. Allele origin: germline. Affected: yes.
Comment: This variant is classified as Likely pathogenic. Evidence in support of pathogenic classification: Variant is absent from gnomAD (v2, v3 and v4); Missense variant predicted to be damaging by in silico tool(s) or highly conserved with a major amino acid change; Additional information: Variant is predicted to result in a missense amino acid change from Arg to Trp; This variant is heterozygous; This gene is associated with autosomal dominant disease; Alternative amino acid change(s) at the same position are present in gnomAD (v4: 3 heterozygote(s), 0 homozygote(s)). - This variant has no previous evidence of pathogenicity; No published evidence of segregation with disease has been identified for this variant; No published functional evidence has been identified for this variant; Another missense variant(s) comparable to the one identified in this case has inconclusive previous evidence for pathogenicity. p.(Arg1057Pro) has been reported in the literature as a variant of uncertain significance in a fetus with anhydramnios and bilateral renal agenesis (PMID: 35005812); Variant is located in the annotated circularly permuted SF2 helicase domain found in GREB1 proteins (DECIPHER); Loss of function is a known mechanism of disease in this gene and is associated with autosomal dominant deafness 80 (MIM#619274) and renal hypodysplasia/aplasia 3 (MIM#617805); Variants in this gene are known to have variable expressivity (OMIM).

Literature cited by the submitters: PubMed 35005812.